The following is an entry in ClinVar:

ClinVar aggregate classification (germline): Conflicting classifications of pathogenicity. Review status: criteria provided, conflicting classifications (1 of 4 stars). 2 submissions from 2 submitters: Uncertain significance (1); Likely benign (1). Last evaluated 2025-05-02.

Allele frequency attached by ClinVar (database versions not stated): gnomAD 0.00001; TOPMed 0.00001; gnomAD exomes 0.00002; ExAC 0.00003; ESP Exome Variant Server 0.00008.
gnomAD v4.1: 34 of 1,612,428 alleles (0.0021%); highest among the groups gnomAD compares: Non-Finnish European, 0.0026%; no homozygotes.

Submissions (2):

Labcorp Genetics (formerly Invitae), Labcorp
Classification: Likely benign. Last evaluated: 2025-05-02. Review status: criteria provided, single submitter. Criteria: Invitae Variant Classification Sherloc (09022015). Collection method: clinical testing. Allele origin: germline.

GeneDx
Classification: Uncertain significance. Last evaluated: 2019-04-29. Review status: criteria provided, single submitter. Criteria: GeneDx Variant Classification Process June 2021. Collection method: clinical testing. Allele origin: germline. Affected: yes.
Comment: Has not been previously published as pathogenic or benign to our knowledge; In silico analysis, which includes protein predictors and evolutionary conservation, supports a deleterious effect; In silico analysis, which includes splice predictors and evolutionary conservation, supports a deleterious effect

NM_015338.6(ASXL1):c.1717C>T (p.Arg573Trp)

Gene: ASXL1 (ASXL transcriptional regulator 1; plus strand). Cytogenetic location: 20q11.21.
Variant type: single nucleotide variant.
Coding change: c.1717C>T on transcript NM_015338.6 (MANE Select); coding-DNA position 1717, C replaced by T.
Protein change: p.Arg573Trp; replaces arginine 573 with tryptophan.
Molecular consequence: missense variant.
Genome position (GRCh38, 1-based): chr20:32,433,915, C>T. VCF-style: chr20-32433915-C-T. GRCh37 (hg19) VCF-style: chr20-31021718-C-T.
Other names: c.1534C>T, p.Arg512Trp (NM_001363734.1); short protein forms R512W, R573W.
Identifiers: ClinVar variation 1319019 (VCV001319019.11), dbSNP rs373685182, ClinGen allele CA9808411.